The following is an entry in ClinVar:

NM_001312673.2(PCYT1A):c.348G>A (p.Glu116=)

Genes: PCYT1A (phosphate cytidylyltransferase 1A, choline; minus strand), LOC126806932 (BRD4-independent group 4 enhancer GRCh37_chr3:195973646-195974845; plus strand). Cytogenetic location: 3q29.
Variant type: single nucleotide variant.
Coding change: c.348G>A on transcript NM_001312673.2 (MANE Select); coding-DNA position 348, G replaced by A.
Protein change: p.Glu116=; no amino-acid change (glutamic acid 116 retained).
Molecular consequence: synonymous variant.
Genome position (GRCh38, 1-based): chr3:196,247,505, C>T on the plus strand (G>A on the coding strand, the complement: PCYT1A is on the minus strand). VCF-style: chr3-196247505-C-T. GRCh37 (hg19) VCF-style: chr3-195974376-C-T.
Other names: c.348G>A, p.Glu116= (NM_005017.4).
Identifiers: ClinVar variation 747237 (VCV000747237.31), dbSNP rs141475735, ClinGen allele CA2779546.

ClinVar aggregate classification (germline): Likely benign. Review status: criteria provided, multiple submitters, no conflicts (2 of 4 stars). 3 submissions from 3 submitters: Likely benign (3). Last evaluated 2026-01-12.

Allele frequency attached by ClinVar (database versions not stated): TOPMed 0.00014; ESP Exome Variant Server 0.00015; gnomAD 0.00016 and 0.00017; gnomAD exomes 0.00017 and 0.00023; ExAC 0.00030; 1000 Genomes Project 30x 0.00031; 1000 Genomes Project 0.00040.
gnomAD v4.1: 287 of 1,614,122 alleles (0.018%); highest among the groups gnomAD compares: Middle Eastern, 0.23%; no homozygotes.

Submissions (3):

Labcorp Genetics (formerly Invitae), Labcorp
Classification: Likely benign. Last evaluated: 2026-01-12. Review status: criteria provided, single submitter. Criteria: Invitae Variant Classification Sherloc (09022015). Collection method: clinical testing. Allele origin: germline.

Blueprint Genetics
Classification: Likely benign. Last evaluated: 2024-09-13. Review status: criteria provided, single submitter. Criteria: ACMG Guidelines, 2015. Collection method: clinical testing. Allele origin: germline.

CeGaT Center for Human Genetics Tuebingen
Classification: Likely benign. Last evaluated: 2024-04-01. Review status: criteria provided, single submitter. Criteria: CeGaT Center For Human Genetics Tuebingen Variant Classification Criteria Version 2. Collection method: clinical testing. Allele origin: germline. Affected: yes. Observed: 1 variant allele.
Comment: PCYT1A: BP4